The following is an entry in ClinVar:

ClinVar aggregate classification (germline): Benign. Review status: criteria provided, multiple submitters, no conflicts (2 of 4 stars). 3 submissions from 3 submitters: Benign (3). Last evaluated 2024-07-15.

Allele frequency attached by ClinVar (database versions not stated): gnomAD 0.73196 and 0.73830; TOPMed 0.74484; 1000 Genomes Project 30x 0.75125; 1000 Genomes Project 0.76118; gnomAD exomes 0.80494.
gnomAD v4.1: 1,124,406 of 1,409,694 alleles (80%); highest among the groups gnomAD compares: East Asian, 97%; 451,795 homozygotes.

Submissions (3):

Unidad de Genómica Garrahan, Hospital de Pediatría Garrahan
Classification: Benign. Last evaluated: 2024-07-15. Review status: criteria provided, single submitter. Criteria: ACMG Guidelines, 2015. Collection method: clinical testing. Allele origin: germline. Affected: no. Observed: 90 variant alleles.
Comment: This variant is classified as Benign based on local population frequency. This variant was detected in 97% of patients studied in a panel designed for Epileptic and Developmental Encephalopathy and Progressive Myoclonus Epilepsy. Number of patients: 90. Only high quality variants are reported.

GeneDx
Classification: Benign. Last evaluated: 2018-06-25. Review status: criteria provided, single submitter. Criteria: GeneDx Variant Classification Process June 2021. Collection method: clinical testing. Allele origin: germline. Affected: yes.

Breakthrough Genomics
Classification: Benign. Review status: criteria provided, single submitter. Criteria: ACMG Guidelines, 2015. Collection method: not provided. Allele origin: germline. Inheritance: Autosomal dominant inheritance. Affected: yes.

NM_001271.4(CHD2):c.1719+71C>T

Gene: CHD2 (chromodomain helicase DNA binding protein 2; plus strand). Cytogenetic location: 15q26.1.
Variant type: single nucleotide variant.
Coding change: c.1719+71C>T on transcript NM_001271.4 (MANE Select); 71 bases into the intron after coding-DNA position 1719, C replaced by T.
Molecular consequence: intron variant.
Genome position (GRCh38, 1-based): chr15:92,953,644, C>T. VCF-style: chr15-92953644-C-T. GRCh37 (hg19) VCF-style: chr15-93496874-C-T.
Identifiers: ClinVar variation 1224771 (VCV001224771.6), dbSNP rs1371390, ClinGen allele CA14185763.
Genomic context (GRCh38, chr15:92,953,644, plus strand): 5'-AAAAAGAGCTGGGTTAGAATCTGTGTTATAAATGTAATTTAGAAATTCACTTAAAGCCTT[C>T]AGTAGATCATCAGTAAAATTTGTGGTTATTATTCTGATACTGTGCTGTGTTCTCAATATT-3'